The following is an entry in ClinVar:

ClinVar aggregate classification (germline): Uncertain significance (1 of 4 stars; one submission).

gnomAD v4.1: 1 of 1,614,112 alleles (0.000062%); highest among the groups gnomAD compares: Non-Finnish European, 0.000085%; no homozygotes.

Submission:

Labcorp Genetics (formerly Invitae), Labcorp
Classification: Uncertain significance. Last evaluated: 2025-03-25. Review status: criteria provided, single submitter. Criteria: Invitae Variant Classification Sherloc (09022015). Collection method: clinical testing. Allele origin: germline.
Comment: This sequence change replaces glutamine, which is neutral and polar, with histidine, which is basic and polar, at codon 139 of the FGB protein (p.Gln139His). This variant is not present in population databases (gnomAD no frequency). This variant has not been reported in the literature in individuals affected with FGB-related conditions. Invitae Evidence Modeling of protein sequence and biophysical properties (such as structural, functional, and spatial information, amino acid conservation, physicochemical variation, residue mobility, and thermodynamic stability) indicates that this missense variant is not expected to disrupt FGB protein function with a negative predictive value of 80%. In summary, the available evidence is currently insufficient to determine the role of this variant in disease. Therefore, it has been classified as a Variant of Uncertain Significance.

NM_005141.5(FGB):c.417G>T (p.Gln139His)

Gene: FGB (fibrinogen beta chain; plus strand). Cytogenetic location: 4q31.3.
Variant type: single nucleotide variant.
Coding change: c.417G>T on transcript NM_005141.5 (MANE Select); coding-DNA position 417, G replaced by T.
Protein change: p.Gln139His; replaces glutamine 139 with histidine.
Molecular consequence: missense variant. On other transcripts: intron variant (1).
Genome position (GRCh38, 1-based): chr4:154,566,599, G>T. VCF-style: chr4-154566599-G-T. GRCh37 (hg19) VCF-style: chr4-155487751-G-T.
Other names: c.240G>T, p.Gln80His (NM_001184741.1); c.417G>T, p.Gln139His (NM_001382760.1, NM_001382761.1, NM_001382762.1 and 3 more transcripts); c.307-22G>T (NM_001382759.1); short protein forms Q80H, Q139H.
Identifiers: ClinVar variation 4751657 (VCV004751657.1).